The following is an entry in ClinVar:

ClinVar aggregate classification (germline): Benign/Likely benign. Review status: criteria provided, multiple submitters, no conflicts (2 of 4 stars). 2 submissions from 2 submitters: Benign (1); Likely benign (1). Last evaluated 2024-04-02.

Conditions:
Familial adenomatous polyposis 1 (FAP1). Also called: FAMILIAL ADENOMATOUS POLYPOSIS 1, ATTENUATED; POLYPOSIS, ADENOMATOUS INTESTINAL. Identifiers: MedGen C2713442, MONDO:0021056, OMIM 175100. Disease mechanism: loss of function.

Submissions (2):

Myriad Genetics, Inc.
Classification: Benign for Familial adenomatous polyposis 1. Last evaluated: 2024-04-02. Review status: criteria provided, single submitter. Criteria: Myriad Autosomal Dominant, Autosomal Recessive and X-Linked Classification Criteria (2023). Collection method: clinical testing. Allele origin: unknown.
Comment: This variant is considered benign. This variant is a silent/synonymous amino acid change and it is not expected to impact splicing.

Labcorp Genetics (formerly Invitae), Labcorp
Classification: Likely benign for Familial adenomatous polyposis 1. Last evaluated: 2023-11-19. Review status: criteria provided, single submitter. Criteria: Invitae Variant Classification Sherloc (09022015). Collection method: clinical testing. Allele origin: germline.

NM_000038.6(APC):c.5361A>T (p.Thr1787=)

Gene: APC (APC regulator of Wnt signaling pathway; plus strand). Cytogenetic location: 5q22.2.
Variant type: single nucleotide variant.
Coding change: c.5361A>T on transcript NM_000038.6 (MANE Select); coding-DNA position 5361, A replaced by T.
Protein change: p.Thr1787=; no amino-acid change (threonine 1787 retained).
Molecular consequence: synonymous variant. On other transcripts: non-coding transcript variant (2).
Genome position (GRCh38, 1-based): chr5:112,840,955, A>T. VCF-style: chr5-112840955-A-T. GRCh37 (hg19) VCF-style: chr5-112176652-A-T.
Other names: c.5361A>T, p.Thr1787= (NM_001127510.3, NM_001354895.2, NM_001407450.1); c.5307A>T, p.Thr1769= (NM_001127511.3); c.5415A>T, p.Thr1805= (NM_001354896.2, NM_001407447.1, NM_001407448.1 and 1 more transcripts); c.5391A>T, p.Thr1797= (NM_001354897.2); c.5286A>T, p.Thr1762= (NM_001354898.2); c.5277A>T, p.Thr1759= (NM_001354899.2); c.5238A>T, p.Thr1746= (NM_001354900.2); c.5184A>T, p.Thr1728= (NM_001354901.2, NM_001407453.1); and 11 more.
Identifiers: ClinVar variation 2697375 (VCV002697375.4), dbSNP rs2149938317, ClinGen allele CA446208819.